The following is an entry in ClinVar:

NM_015443.4(KANSL1):c.536_537dup (p.Lys180fs)

Gene: KANSL1 (KAT8 regulatory NSL complex subunit 1). Cytogenetic location: 17q21.31.
Variant type: Duplication.
Coding change: c.536_537dup on transcript NM_015443.4 (MANE Select); coding-DNA positions 536 to 537, 2 bases duplicated.
Protein change: p.Lys180fs; shifts the reading frame from lysine 180.
Molecular consequence: frameshift variant.
Genome position: GRCh38 VCF-style: chr17-46171606-T-TTC. GRCh37 (hg19) VCF-style: chr17-44248972-T-TTC.
Other names: c.536_537dup, p.Lys180fs (NM_001193465.2, NM_001193466.2, NM_001379198.1); short protein forms K180fs.
Identifiers: ClinVar variation 419679 (VCV000419679.1), dbSNP rs1064794038, ClinGen allele CA16620461.

ClinVar aggregate classification (germline): Pathogenic (1 of 4 stars; one submission).

Submission:

GeneDx
Classification: Pathogenic. Last evaluated: 2015-08-05. Review status: criteria provided, single submitter. Criteria: GeneDx Variant Classification (06012015). Collection method: clinical testing. Allele origin: germline. Affected: yes.
Comment: The c.536_537dupGA duplication in the KANSL1 gene has not been reported previously as a pathogenic variant nor as a benign polymorphism, to our knowledge. The c.536_537dupGA variant causes a frameshift starting with codon Lysine 180 changes this amino acid to a Glutamic acid residue, and creates a premature Stop codon at position 23 of the new reading frame, denoted p.Lys180GlufsX23. This duplication is predicted to cause loss of normal protein function either through protein truncation or nonsense-mediated mRNA decay. The c.536_537dupGA variant was not observed in approximately 6500 individuals of European and African American ancestry in the NHLBI Exome Sequencing Project, indicating it is not a common benign variant in these populations. We interpret c.536_537dupGA as a pathogenic variant.